The following is an entry in ClinVar:

NM_001376.5(DYNC1H1):c.7793G>T (p.Gly2598Val)

Gene: DYNC1H1 (dynein cytoplasmic 1 heavy chain 1; plus strand). Cytogenetic location: 14q32.31.
Variant type: single nucleotide variant.
Coding change: c.7793G>T on transcript NM_001376.5 (MANE Select); coding-DNA position 7793, G replaced by T.
Protein change: p.Gly2598Val; replaces glycine 2598 with valine.
Molecular consequence: missense variant.
Genome position (GRCh38, 1-based): chr14:102,016,944, G>T. VCF-style: chr14-102016944-G-T. GRCh37 (hg19) VCF-style: chr14-102483281-G-T.
Other names: short protein forms G2598V.
Identifiers: ClinVar variation 245840 (VCV000245840.3), dbSNP rs879253971, ClinGen allele CA10584467.
Genomic context (GRCh38, chr14:102,016,944, plus strand): 5'-AAGCCCTCTTGTACACTTGGCTGGCCGAACACAAGCCCCTGGTCTTGTGTGGCCCTCCTG[G>T]GTCTGGCAAGACCATGACACTCTTCAGCGCCCTCCGGGCCTTGCCTGACATGGAGGTAAA-3'
Protein context (NP_001367.2, residues 2588-2608): HKPLVLCGPP[Gly2598Val]SGKTMTLFSA

ClinVar aggregate classification (germline): Likely pathogenic. Review status: criteria provided, multiple submitters, no conflicts (2 of 4 stars). 2 submissions from 2 submitters: Likely pathogenic (2). Last evaluated 2025-11-17.

Conditions:
Cortical dysplasia, complex, with other brain malformations 13. Also called: Intellectual disability, autosomal dominant 13. Identifiers: MedGen C3281202, MONDO:0013805, OMIM 614563.

Submissions (2):

MVZ Martinsried, Medicover Genetics
Classification: Likely pathogenic for Cortical dysplasia, complex, with other brain malformations 13. Last evaluated: 2025-11-17. Review status: criteria provided, single submitter. Criteria: ClinGen Variant Curation SOP V3.2 + Classification Guidance July2025. Collection method: clinical testing. Allele origin: de novo. Affected: yes. Observed: 1 heterozygote.

GeneDx
Classification: Likely pathogenic. Last evaluated: 2017-04-03. Review status: criteria provided, single submitter. Criteria: GeneDx Variant Classification (06012015). Collection method: clinical testing. Allele origin: germline. Affected: yes.
Comment: The G2598V variant in the DYNC1H1 gene has not been published as a pathogenic, nor has it been reported as a benign polymorphism to our knowledge. The G2598V variant was not observed in approximately 6,500 individuals of European and African American ancestry in the NHLBI Exome Sequencing Project, indicating it is not a common benign variant in these populations. This substitution occurs at a position that is conserved across species, and in silico analysis predicts this variant is probably damaging to the protein structure/function. However, the G2598V variant is a conservative amino acid substitution, which is not likely to impact secondary protein structure as these residues share similar properties. The G2598V variant is a strong candidate for a disease-causing variant